The following is an entry in ClinVar:

NM_000238.4(KCNH2):c.1622G>A (p.Arg541His)

Gene: KCNH2 (potassium voltage-gated channel subfamily H member 2; minus strand). Cytogenetic location: 7q36.1.
Variant type: single nucleotide variant.
Coding change: c.1622G>A on transcript NM_000238.4 (MANE Select); coding-DNA position 1622, G replaced by A.
Protein change: p.Arg541His; replaces arginine 541 with histidine.
Molecular consequence: missense variant.
Genome position (GRCh38, 1-based): chr7:150,951,771, C>T on the plus strand (G>A on the coding strand, the complement: KCNH2 is on the minus strand). VCF-style: chr7-150951771-C-T. GRCh37 (hg19) VCF-style: chr7-150648859-C-T.
Other names: c.1622G>A (NM_000238.2); c.602G>A, p.Arg201His (NM_001204798.2, NM_172057.3); c.1334G>A, p.Arg445His (NM_001406753.1, NM_001406756.1); c.1445G>A, p.Arg482His (NM_001406755.1); c.1322G>A, p.Arg441His (NM_001406757.1); c.1622G>A, p.Arg541His (NM_172056.3); short protein forms R201H, R541H, R441H, R445H, R482H.
Identifiers: ClinVar variation 960653 (VCV000960653.17), dbSNP rs1297393452, ClinGen allele CA369859067.
Genomic context (GRCh38, chr7:150,951,771, plus strand): 5'-GCGATGAGCGCAAAGGTGCACATGAGCAAGAACAGCACGGCCGCGCCGTACTCTGAGTAG[C>T]GATCCAGCTTCCGCGCCACGCGCACCAGCCGCAGCAGCCGCGCAGTCTTCAGCAGCCCGA-3'
Protein context (NP_000229.1, residues 531-551): RLVRVARKLD[Arg541His]YSEYGAAVLF

ClinVar aggregate classification (germline): Uncertain significance. Review status: criteria provided, multiple submitters, no conflicts (2 of 4 stars). 3 submissions from 3 submitters: Uncertain significance (3). Last evaluated 2025-03-03.

Conditions:
Cardiac arrhythmia. Also called: Cardiac rhythm disease; Arrhythmia. Identifiers: MedGen C0003811, MONDO:0007263, HP:0011675.
Long QT syndrome (LQTS). Identifiers: MedGen C0023976, MeSH D008133, MONDO:0002442. Disease mechanism: loss of function. Inheritance: Various modes of inheritance.

Allele frequency attached by ClinVar (database versions not stated): gnomAD exomes below 0.00001 and 0.00001.

Submissions (3):

Labcorp Genetics (formerly Invitae), Labcorp
Classification: Uncertain significance for Long QT syndrome. Last evaluated: 2025-03-03. Review status: criteria provided, single submitter. Criteria: Invitae Variant Classification Sherloc (09022015). Collection method: clinical testing. Allele origin: germline.
Comment: This sequence change replaces arginine, which is basic and polar, with histidine, which is basic and polar, at codon 541 of the KCNH2 protein (p.Arg541His). This variant is present in population databases (no rsID available, gnomAD 0.0009%). This variant has not been reported in the literature in individuals affected with KCNH2-related conditions. ClinVar contains an entry for this variant (Variation ID: 960653). An algorithm developed to predict the effect of missense changes on protein structure and function (PolyPhen-2) suggests that this variant is likely to be disruptive. In summary, the available evidence is currently insufficient to determine the role of this variant in disease. Therefore, it has been classified as a Variant of Uncertain Significance.

GeneDx
Classification: Uncertain significance. Last evaluated: 2024-08-05. Review status: criteria provided, single submitter. Criteria: GeneDx Variant Classification Process June 2021. Collection method: clinical testing. Allele origin: germline.
Comment: Not observed at significant frequency in large population cohorts (gnomAD); In silico analysis supports that this missense variant has a deleterious effect on protein structure/function; Has not been previously published as pathogenic or benign to our knowledge

Color Diagnostics, LLC DBA Color Health
Classification: Uncertain significance for Cardiac arrhythmia. Last evaluated: 2021-11-03. Review status: criteria provided, single submitter. Criteria: ACMG Guidelines, 2015. Collection method: clinical testing. Allele origin: germline.
Comment: This missense variant replaces arginine with histidine at codon 541 of the KCNH2 protein. Computational prediction suggests that this variant may have deleterious impact on protein structure and function (internally defined REVEL score threshold >= 0.7, PMID: 27666373). To our knowledge, functional studies have not been reported for this variant. This variant has not been reported in individuals affected with cardiovascular disorders in the literature. This variant has been identified in 1/247992 chromosomes in the general population by the Genome Aggregation Database (gnomAD). The available evidence is insufficient to determine the role of this variant in disease conclusively. Therefore, this variant is classified as a Variant of Uncertain Significance.